The following is an entry in ClinVar:

NM_001267550.2(TTN):c.107561A>T (p.Gln35854Leu)

Genes: TTN (titin; minus strand), TTN-AS1 (TTN antisense RNA 1; plus strand). Cytogenetic location: 2q31.2.
Variant type: single nucleotide variant.
Coding change: c.107561A>T on transcript NM_001267550.2 (MANE Select); coding-DNA position 107561, A replaced by T.
Protein change: p.Gln35854Leu; replaces glutamine 35854 with leucine.
Molecular consequence: missense variant.
Genome position (GRCh38, 1-based): chr2:178,527,565, T>A on the plus strand (A>T on the coding strand, the complement: TTN is on the minus strand). VCF-style: chr2-178527565-T-A. GRCh37 (hg19) VCF-style: chr2-179392292-T-A.
Other names: c.102638A>T, p.Gln34213Leu (NM_001256850.1); c.80366A>T, p.Gln26789Leu (NM_003319.4); c.99857A>T, p.Gln33286Leu (NM_133378.4); c.80741A>T, p.Gln26914Leu (NM_133432.3); c.80942A>T, p.Gln26981Leu (NM_133437.4); short protein forms Q33286L, Q35854L, Q26914L, Q26789L, Q26981L, Q34213L.
Identifiers: ClinVar variation 4786031 (VCV004786031.1).
Genomic context (GRCh38, chr2:178,527,565, plus strand): 5'-ATTCCCATAAAGCTGCTGGAACTCATTTCTACAAAGGACTCTTGCATGGAGGACATGCTT[T>A]GGGCAGACATGCTTGCAAATTTCATCTCAGTCATGCTGCTAGCACTGCTGCTGCTGAAAC-3'
Protein context (NP_001254479.2, residues 35844-35864): TEMKFASMSA[Gln35854Leu]SMSSMQESFV

ClinVar aggregate classification (germline): Uncertain significance (1 of 4 stars; one submission).

Conditions:
Autosomal recessive limb-girdle muscular dystrophy type 2J (LGMDR10). Also called: Limb-girdle muscular dystrophy, type 2J; MUSCULAR DYSTROPHY, LIMB-GIRDLE, AUTOSOMAL RECESSIVE 10. Identifiers: Orphanet 140922, MedGen C1837342, MONDO:0012127, OMIM 608807.
Dilated cardiomyopathy 1G (CMD1G). Identifiers: Orphanet 154, MedGen C1858763, MONDO:0011400, OMIM 604145.

Submission:

Labcorp Genetics (formerly Invitae), Labcorp
Classification: Uncertain significance for Dilated cardiomyopathy 1G; Autosomal recessive limb-girdle muscular dystrophy type 2J. Last evaluated: 2025-09-01. Review status: criteria provided, single submitter. Criteria: Invitae Variant Classification Sherloc (09022015). Collection method: clinical testing. Allele origin: germline.
Comment: This sequence change replaces glutamine, which is neutral and polar, with leucine, which is neutral and non-polar, at codon 35854 of the TTN protein (p.Gln35854Leu). This variant is not present in population databases (gnomAD no frequency). This variant has not been reported in the literature in individuals affected with TTN-related conditions. Experimental studies and prediction algorithms are not available or were not evaluated, and the functional significance of this variant is currently unknown. This variant is located in the M band of TTN (PMID: 25589632). Non-truncating variants in this region may be relevant for neuromuscular disorders, but have not been definitively shown to cause cardiomyopathy (PMID: 23975875). In summary, the available evidence is currently insufficient to determine the role of this variant in disease. Therefore, it has been classified as a Variant of Uncertain Significance.

Literature cited by the submitters: PubMed 25589632; PubMed 23975875.